The following is an entry in ClinVar:

NM_001130004.2(ACTN1):c.2602G>A (p.Asp868Asn)

Gene: ACTN1 (actinin alpha 1; minus strand). Cytogenetic location: 14q24.1.
Variant type: single nucleotide variant.
Coding change: c.2602G>A on transcript NM_001130004.2 (MANE Select); coding-DNA position 2602, G replaced by A.
Protein change: p.Asp868Asn; replaces aspartic acid 868 with asparagine.
Molecular consequence: missense variant.
Genome position (GRCh38, 1-based): chr14:68,875,002, C>T on the plus strand (G>A on the coding strand, the complement: ACTN1 is on the minus strand). VCF-style: chr14-68875002-C-T. GRCh37 (hg19) VCF-style: chr14-69341719-C-T.
Other names: c.2473G>A, p.Asp825Asn (NM_001424020.1); c.2467G>A, p.Asp823Asn (NM_001424021.1); c.2458G>A, p.Asp820Asn (NM_001424022.1); c.2455G>A, p.Asp819Asn (NM_001424023.1); c.2419G>A, p.Asp807Asn (NM_001424024.1); c.2353G>A, p.Asp785Asn (NM_001424025.1); c.2341G>A, p.Asp781Asn (NM_001424026.1, NM_001411036.1); c.2338G>A, p.Asp780Asn (NM_001424027.1); and 14 more; short protein forms D571N, D845N, D889N, D780N, D781N, D807N, D833N, D846N.
Identifiers: ClinVar variation 2718917 (VCV002718917.4), dbSNP rs199707794, ClinGen allele CA7241909.

ClinVar aggregate classification (germline): Uncertain significance. Review status: criteria provided, multiple submitters, no conflicts (2 of 4 stars). 2 submissions from 2 submitters: Uncertain significance (2). Last evaluated 2025-09-23.

Conditions:
Inborn genetic diseases. Identifiers: MedGen C0950123, MeSH D030342.

Allele frequency attached by ClinVar (database versions not stated): gnomAD 0.00002; ExAC 0.00003; TOPMed 0.00007; 1000 Genomes Project 0.00040; gnomAD exomes 0.00001; 1000 Genomes Project 30x 0.00047.
gnomAD v4.1: 15 of 1,613,522 alleles (0.00093%); highest among the groups gnomAD compares: Admixed American, 0.017%; no homozygotes.

Submissions (2):

Labcorp Genetics (formerly Invitae), Labcorp
Classification: Uncertain significance. Last evaluated: 2025-09-23. Review status: criteria provided, single submitter. Criteria: Invitae Variant Classification Sherloc (09022015). Collection method: clinical testing. Allele origin: germline.
Comment: This sequence change replaces aspartic acid, which is acidic and polar, with asparagine, which is neutral and polar, at codon 868 of the ACTN1 protein (p.Asp868Asn). This variant is present in population databases (rs199707794, gnomAD 0.01%). This variant has not been reported in the literature in individuals affected with ACTN1-related conditions. ClinVar contains an entry for this variant (Variation ID: 2718917). An algorithm developed to predict the effect of missense changes on protein structure and function (PolyPhen-2) suggests that this variant is likely to be tolerated. In summary, the available evidence is currently insufficient to determine the role of this variant in disease. Therefore, it has been classified as a Variant of Uncertain Significance.

Ambry Genetics
Classification: Uncertain significance for Inborn genetic diseases. Last evaluated: 2025-08-04. Review status: criteria provided, single submitter. Criteria: Ambry Variant Classification Scheme 2023. Collection method: clinical testing. Allele origin: germline.